The following is an entry in ClinVar:

ClinVar aggregate classification (germline): Uncertain significance. Review status: criteria provided, multiple submitters, no conflicts (2 of 4 stars). 2 submissions from 2 submitters: Uncertain significance (2). Last evaluated 2025-04-28.

Conditions:
Hereditary cancer-predisposing syndrome. Also called: Tumor predisposition; Hereditary Cancer Syndrome; Hereditary neoplastic syndrome; Neoplastic Syndromes, Hereditary. Identifiers: Orphanet 140162, MedGen C0027672, MeSH D009386, MONDO:0015356.
Gastrointestinal stromal tumor. Also called: Gastrointestinal stroma tumor; Gastrointestinal stromal tumor, somatic. Identifiers: Orphanet 44890, MedGen C0238198, MeSH D046152, MONDO:0011719, OMIM 606764, HP:0100723.

gnomAD v4.1: 1 of 1,613,268 alleles (0.000062%); highest among the groups gnomAD compares: Non-Finnish European, 0.000085%; no homozygotes.

Submissions (2):

Labcorp Genetics (formerly Invitae), Labcorp
Classification: Uncertain significance for Gastrointestinal stromal tumor. Last evaluated: 2025-04-28. Review status: criteria provided, single submitter. Criteria: Invitae Variant Classification Sherloc (09022015). Collection method: clinical testing. Allele origin: germline.
Comment: This sequence change replaces leucine, which is neutral and non-polar, with proline, which is neutral and non-polar, at codon 545 of the PDGFRA protein (p.Leu545Pro). This variant is not present in population databases (gnomAD no frequency). This variant has not been reported in the literature in individuals affected with PDGFRA-related conditions. ClinVar contains an entry for this variant (Variation ID: 1407276). Invitae Evidence Modeling of protein sequence and biophysical properties (such as structural, functional, and spatial information, amino acid conservation, physicochemical variation, residue mobility, and thermodynamic stability) has been performed for this missense variant. However, the output from this modeling did not meet the statistical confidence thresholds required to predict the impact of this variant on PDGFRA protein function. In summary, the available evidence is currently insufficient to determine the role of this variant in disease. Therefore, it has been classified as a Variant of Uncertain Significance.

Ambry Genetics
Classification: Uncertain significance for Hereditary cancer-predisposing syndrome. Last evaluated: 2024-11-28. Review status: criteria provided, single submitter. Criteria: Ambry Variant Classification Scheme 2023. Collection method: clinical testing. Allele origin: germline.
Comment: The p.L545P variant (also known as c.1634T>C), located in coding exon 10 of the PDGFRA gene, results from a T to C substitution at nucleotide position 1634. The leucine at codon 545 is replaced by proline, an amino acid with similar properties. This amino acid position is conserved. In addition, this alteration is predicted to be deleterious by in silico analysis. Since supporting evidence is limited at this time, the clinical significance of this alteration remains unclear.

NM_006206.6(PDGFRA):c.1634T>C (p.Leu545Pro)

Gene: PDGFRA (platelet derived growth factor receptor alpha; plus strand). Cytogenetic location: 4q12.
Variant type: single nucleotide variant.
Coding change: c.1634T>C on transcript NM_006206.6 (MANE Select); coding-DNA position 1634, T replaced by C.
Protein change: p.Leu545Pro; replaces leucine 545 with proline.
Molecular consequence: missense variant.
Genome position (GRCh38, 1-based): chr4:54,274,606, T>C. VCF-style: chr4-54274606-T-C. GRCh37 (hg19) VCF-style: chr4-55140773-T-C.
Other names: c.1634T>C, p.Leu545Pro (NM_001347827.2, NM_001347829.2); c.1709T>C, p.Leu570Pro (NM_001347828.2); c.1673T>C, p.Leu558Pro (NM_001347830.2); short protein forms L570P, L545P, L558P.
Identifiers: ClinVar variation 1407276 (VCV001407276.11), dbSNP rs2110296882, ClinGen allele CA356892965.